The following is an entry in ClinVar:

ClinVar aggregate classification (germline): Uncertain significance (1 of 4 stars; one submission).

Allele frequency attached by ClinVar (database versions not stated): TOPMed 0.00001; gnomAD exomes 0.00002.
gnomAD v4.1: 30 of 1,614,116 alleles (0.0019%); highest among the groups gnomAD compares: Non-Finnish European, 0.0025%; no homozygotes.

Submission:

Labcorp Genetics (formerly Invitae), Labcorp
Classification: Uncertain significance. Last evaluated: 2024-03-17. Review status: criteria provided, single submitter. Criteria: Invitae Variant Classification Sherloc (09022015). Collection method: clinical testing. Allele origin: germline.
Comment: This sequence change replaces threonine, which is neutral and polar, with isoleucine, which is neutral and non-polar, at codon 477 of the PIGV protein (p.Thr477Ile). This variant is not present in population databases (gnomAD no frequency). This variant has not been reported in the literature in individuals affected with PIGV-related conditions. ClinVar contains an entry for this variant (Variation ID: 2055724). Advanced modeling of protein sequence and biophysical properties (such as structural, functional, and spatial information, amino acid conservation, physicochemical variation, residue mobility, and thermodynamic stability) performed at Invitae indicates that this missense variant is not expected to disrupt PIGV protein function with a negative predictive value of 80%. In summary, the available evidence is currently insufficient to determine the role of this variant in disease. Therefore, it has been classified as a Variant of Uncertain Significance.

NM_017837.4(PIGV):c.1430C>T (p.Thr477Ile)

Gene: PIGV (phosphatidylinositol glycan anchor biosynthesis class V; plus strand). Cytogenetic location: 1p36.11.
Variant type: single nucleotide variant.
Coding change: c.1430C>T on transcript NM_017837.4 (MANE Select); coding-DNA position 1430, C replaced by T.
Protein change: p.Thr477Ile; replaces threonine 477 with isoleucine.
Molecular consequence: missense variant. On other transcripts: non-coding transcript variant (2).
Genome position (GRCh38, 1-based): chr1:26,797,792, C>T. VCF-style: chr1-26797792-C-T. GRCh37 (hg19) VCF-style: chr1-27124283-C-T.
Other names: c.1430C>T, p.Thr477Ile (NM_001202554.2, NM_001374478.1, NM_001374480.1 and 2 more transcripts); c.1049C>T, p.Thr350Ile (NM_001374483.1); c.803C>T, p.Thr268Ile (NM_001374484.1, NM_001374485.1); c.308C>T, p.Thr103Ile (NM_001374486.1); short protein forms T477I, T103I, T268I, T350I.
Identifiers: ClinVar variation 2055724 (VCV002055724.3), dbSNP rs940048236, ClinGen allele CA19837084.